The following is an entry in ClinVar:

NM_001256071.3(RNF213):c.2796C>T (p.Tyr932=)

Gene: RNF213 (ring finger protein 213; plus strand). Cytogenetic location: 17q25.3.
Variant type: single nucleotide variant.
Coding change: c.2796C>T on transcript NM_001256071.3 (MANE Select); coding-DNA position 2796, C replaced by T.
Protein change: p.Tyr932=; no amino-acid change (tyrosine 932 retained).
Molecular consequence: synonymous variant.
Genome position (GRCh38, 1-based): chr17:80,313,152, C>T. VCF-style: chr17-80313152-C-T. GRCh37 (hg19) VCF-style: chr17-78286952-C-T.
Other names: c.2796C>T, p.Tyr932= (NM_020954.4).
Identifiers: ClinVar variation 721870 (VCV000721870.11), dbSNP rs144083500, ClinGen allele CA8819985.

ClinVar aggregate classification (germline): Benign/Likely benign. Review status: criteria provided, multiple submitters, no conflicts (2 of 4 stars). 4 submissions from 4 submitters: Benign (1); Likely benign (2). 1 of the submissions does not count toward it. Last evaluated 2026-04-01.

Conditions:
RNF213-related disorder. Also called: RNF213-related condition.

Allele frequency attached by ClinVar (database versions not stated): 1000 Genomes Project 30x 0.00016; 1000 Genomes Project 0.00020; gnomAD 0.00026 and 0.00028; TOPMed 0.00034; ExAC 0.00037; gnomAD exomes 0.00038 and 0.00041; ESP Exome Variant Server 0.00046.
gnomAD v4.1: 632 of 1,614,110 alleles (0.039%); highest among the groups gnomAD compares: Admixed American, 0.087%; no homozygotes.

Submissions (4):

CeGaT Center for Human Genetics Tuebingen
Classification: Likely benign. Last evaluated: 2026-04-01. Review status: criteria provided, single submitter. Criteria: CeGaT Center For Human Genetics Tuebingen Variant Classification Criteria Version 2. Collection method: clinical testing. Allele origin: germline. Affected: yes. Observed: 1 variant allele.
Comment: RNF213: BP7

Blueprint Genetics
Classification: Likely benign. Last evaluated: 2024-11-19. Review status: criteria provided, single submitter. Criteria: ACMG Guidelines, 2015. Collection method: clinical testing. Allele origin: germline.

Labcorp Genetics (formerly Invitae), Labcorp
Classification: Benign. Last evaluated: 2024-09-11. Review status: criteria provided, single submitter. Criteria: Invitae Variant Classification Sherloc (09022015). Collection method: clinical testing. Allele origin: germline.

PreventionGenetics, part of Exact Sciences
Classification: Likely benign for RNF213-related condition. Last evaluated: 2019-09-17. Review status: no assertion criteria provided. Collection method: clinical testing. Allele origin: germline. Not counted in ClinVar's aggregate classification.
Comment: This variant is classified as likely benign based on ACMG/AMP sequence variant interpretation guidelines (Richards et al. 2015 PMID: 25741868, with internal and published modifications).